The following is an entry in ClinVar:

NM_000878.5(IL2RB):c.388+1G>A

Gene: IL2RB (interleukin 2 receptor subunit beta; minus strand). Cytogenetic location: 22q12.3.
Variant type: single nucleotide variant.
Coding change: c.388+1G>A on transcript NM_000878.5 (MANE Select); the canonical splice donor site of the intron after coding-DNA position 388, G replaced by A.
Molecular consequence: splice donor variant.
Genome position (GRCh38, 1-based): chr22:37,139,116, C>T on the plus strand (G>A on the coding strand, the complement: IL2RB is on the minus strand). VCF-style: chr22-37139116-C-T. GRCh37 (hg19) VCF-style: chr22-37535156-C-T.
Other names: c.388+1G>A (NM_001346222.1, NM_001346223.2).
Identifiers: ClinVar variation 871831 (VCV000871831.45), dbSNP rs747978443, ClinGen allele CA10216650.

ClinVar aggregate classification (germline): Likely pathogenic. Review status: criteria provided, multiple submitters, no conflicts (2 of 4 stars). 2 submissions from 2 submitters: Likely pathogenic (2). Last evaluated 2022-04-24.

Allele frequency attached by ClinVar (database versions not stated): gnomAD exomes below 0.00001; ExAC 0.00001; TOPMed 0.00001.
gnomAD v4.1: 6 of 1,604,650 alleles (0.00037%); highest among the groups gnomAD compares: Admixed American, 0.0017%; no homozygotes.

Submissions (2):

Labcorp Genetics (formerly Invitae), Labcorp
Classification: Likely pathogenic. Last evaluated: 2022-04-24. Review status: criteria provided, single submitter. Criteria: Invitae Variant Classification Sherloc (09022015). Collection method: clinical testing. Allele origin: germline.
Comment: In summary, the currently available evidence indicates that the variant is pathogenic, but additional data are needed to prove that conclusively. Therefore, this variant has been classified as Likely Pathogenic. Algorithms developed to predict the effect of sequence changes on RNA splicing suggest that this variant may disrupt the consensus splice site. ClinVar contains an entry for this variant (Variation ID: 871831). This variant has not been reported in the literature in individuals affected with IL2RB-related conditions. This variant is present in population databases (rs747978443, gnomAD 0.0009%). This sequence change affects a donor splice site in intron 5 of the IL2RB gene. It is expected to disrupt RNA splicing. Variants that disrupt the donor or acceptor splice site typically lead to a loss of protein function (PMID: 16199547), and loss-of-function variants in IL2RB are known to be pathogenic (PMID: 31040185).

CeGaT Center for Human Genetics Tuebingen
Classification: Likely pathogenic. Last evaluated: 2019-12-01. Review status: criteria provided, single submitter. Criteria: CeGaT Center For Human Genetics Tuebingen Variant Classification Criteria Version 2. Collection method: clinical testing. Allele origin: germline. Affected: yes. Observed: 1 variant allele.

Literature cited by the submitters: PubMed 16199547 (cited by Labcorp Genetics (formerly Invitae), Labcorp); PubMed 31040185 (cited by Labcorp Genetics (formerly Invitae), Labcorp).